The following is an entry in ClinVar:

ClinVar aggregate classification (germline): Uncertain significance (1 of 4 stars; one submission).

Conditions:
Spastic ataxia 2. Also called: Ataxia, spastic, 2, autosomal recessive. Identifiers: Orphanet 397946, MedGen C1969796, MONDO:0012651, OMIM 611302.

Allele frequency attached by ClinVar (database versions not stated): TOPMed 0.00001; gnomAD exomes 0.00002.
gnomAD v4.1: 13 of 1,605,272 alleles (0.00081%); highest among the groups gnomAD compares: Admixed American, 0.022%; no homozygotes.

Submission:

Labcorp Genetics (formerly Invitae), Labcorp
Classification: Uncertain significance for Spastic ataxia 2. Last evaluated: 2024-01-02. Review status: criteria provided, single submitter. Criteria: Invitae Variant Classification Sherloc (09022015). Collection method: clinical testing. Allele origin: germline.
Comment: This sequence change replaces lysine, which is basic and polar, with arginine, which is basic and polar, at codon 839 of the KIF1C protein (p.Lys839Arg). This variant is present in population databases (no rsID available, gnomAD 0.02%). This variant has not been reported in the literature in individuals affected with KIF1C-related conditions. ClinVar contains an entry for this variant (Variation ID: 2058769). Advanced modeling of protein sequence and biophysical properties (such as structural, functional, and spatial information, amino acid conservation, physicochemical variation, residue mobility, and thermodynamic stability) performed at Invitae indicates that this missense variant is not expected to disrupt KIF1C protein function with a negative predictive value of 80%. In summary, the available evidence is currently insufficient to determine the role of this variant in disease. Therefore, it has been classified as a Variant of Uncertain Significance.

NM_006612.6(KIF1C):c.2516A>G (p.Lys839Arg)

Gene: KIF1C (kinesin family member 1C; plus strand). Cytogenetic location: 17p13.2.
Variant type: single nucleotide variant.
Coding change: c.2516A>G on transcript NM_006612.6 (MANE Select); coding-DNA position 2516, A replaced by G.
Protein change: p.Lys839Arg; replaces lysine 839 with arginine.
Molecular consequence: missense variant.
Genome position (GRCh38, 1-based): chr17:5,022,597, A>G. VCF-style: chr17-5022597-A-G. GRCh37 (hg19) VCF-style: chr17-4925892-A-G.
Other names: short protein forms K839R.
Identifiers: ClinVar variation 2058769 (VCV002058769.4), dbSNP rs1181207786, ClinGen allele CA397315277.